The following is an entry in ClinVar:

ClinVar aggregate classification (germline): Uncertain significance. Review status: criteria provided, multiple submitters, no conflicts (2 of 4 stars). 2 submissions from 2 submitters: Uncertain significance (2). Last evaluated 2025-08-08.

Conditions:
Inborn genetic diseases. Identifiers: MedGen C0950123, MeSH D030342.

Allele frequency attached by ClinVar (database versions not stated): ExAC 0.00002.
gnomAD v4.1: 15 of 1,613,906 alleles (0.00093%); highest among the groups gnomAD compares: Admixed American, 0.0017%; no homozygotes.

Submissions (2):

GeneDx
Classification: Uncertain significance. Last evaluated: 2025-08-08. Review status: criteria provided, single submitter. Criteria: GeneDx Variant Classification Process June 2021. Collection method: clinical testing. Allele origin: germline. Affected: yes.
Comment: Not observed at significant frequency in large population cohorts (gnomAD); In silico analysis supports that this missense variant has a deleterious effect on protein structure/function; Has not been previously published in a patient with LTBP2-related disorder as pathogenic or benign to our knowledge; This variant is associated with the following publications: (PMID: 33343633)

Ambry Genetics
Classification: Uncertain significance for Inborn genetic diseases. Last evaluated: 2021-08-02. Review status: criteria provided, single submitter. Criteria: Ambry Variant Classification Scheme 2023. Collection method: clinical testing. Allele origin: germline.

NM_000428.3(LTBP2):c.3979C>T (p.Arg1327Cys)

Gene: LTBP2 (latent transforming growth factor beta binding protein 2; minus strand). Cytogenetic location: 14q24.3.
Variant type: single nucleotide variant.
Coding change: c.3979C>T on transcript NM_000428.3 (MANE Select); coding-DNA position 3979, C replaced by T.
Protein change: p.Arg1327Cys; replaces arginine 1327 with cysteine.
Molecular consequence: missense variant.
Genome position (GRCh38, 1-based): chr14:74,506,752, G>A on the plus strand (C>T on the coding strand, the complement: LTBP2 is on the minus strand). VCF-style: chr14-74506752-G-A. GRCh37 (hg19) VCF-style: chr14-74973455-G-A.
Other names: short protein forms R1327C.
Identifiers: ClinVar variation 2220254 (VCV002220254.3), dbSNP rs758023418, ClinGen allele CA7268924.